The following is an entry in ClinVar:

NM_000535.7(PMS2):c.2397del (p.Pro800fs)

Gene: PMS2 (PMS1 homolog 2, mismatch repair system component; minus strand). Cytogenetic location: 7p22.1.
Variant type: Deletion.
Coding change: c.2397del on transcript NM_000535.7 (MANE Select); coding-DNA position 2397, one base deleted (G; older notation c.2397delG).
Protein change: p.Pro800fs; shifts the reading frame from proline 800.
Molecular consequence: frameshift variant. On other transcripts: non-coding transcript variant (1).
Genome position (GRCh38, 1-based): chr7:5,977,636, C deleted on the plus strand (G on the coding strand, the reverse complement: PMS2 is on the minus strand); the first of 2 consecutive C bases (chr7:5,977,636-5,977,637); deleting either gives the same sequence. VCF-style (leftmost placement, unchanged base first): chr7-5977635-GC-G. GRCh37 (hg19) VCF-style: chr7-6017266-GC-G.
Other names: c.2397delG (NM_000535.5); c.2420delG, p.Pro808Leufs (NM_001406868.1); c.2288delG, p.Pro764Leufs (NM_001406869.1); c.2273delG, p.Pro759Leufs (NM_001406870.1); c.2252delG, p.Pro752Leufs (NM_001406871.1); c.2228delG, p.Pro744Leufs (NM_001406872.1, NM_001406874.1); c.2198delG, p.Pro734Leufs (NM_001406873.1); c.2120delG, p.Pro708Leufs (NM_001406875.1); and 27 more; short protein forms P613fs, P811fs, P489fs, P800fs, P694fs, P697fs, P748fs, P609fs.
Identifiers: ClinVar variation 2116732 (VCV002116732.6), dbSNP rs1196530552, ClinGen allele CA840180431.

ClinVar aggregate classification (germline): Pathogenic. Review status: criteria provided, multiple submitters, no conflicts (2 of 4 stars). 3 submissions from 3 submitters: Pathogenic (3). Last evaluated 2024-08-15.

Conditions:
Hereditary cancer-predisposing syndrome. Also called: Neoplastic Syndromes, Hereditary; Tumor predisposition; Hereditary Cancer Syndrome; Hereditary neoplastic syndrome. Identifiers: Orphanet 140162, MedGen C0027672, MeSH D009386, MONDO:0015356.
Lynch syndrome 4 (LYNCH4). Also called: Hereditary non-polyposis colorectal cancer, type 4; Colorectal cancer, hereditary nonpolyposis, type 4. Identifiers: Orphanet 144, MedGen C1838333, MONDO:0013699, OMIM 614337. Disease mechanism: loss of function.
Hereditary nonpolyposis colorectal neoplasms. Identifiers: MedGen C0009405, MeSH D003123.

Submissions (3):

Ambry Genetics
Classification: Pathogenic for Hereditary cancer-predisposing syndrome. Last evaluated: 2024-08-15. Review status: criteria provided, single submitter. Criteria: Ambry Variant Classification Scheme 2023. Collection method: clinical testing. Allele origin: germline.
Comment: The c.2397delG pathogenic mutation, located in coding exon 14 of the PMS2 gene, results from a deletion of one nucleotide at nucleotide position 2397, causing a translational frameshift with a predicted alternate stop codon (p.P800Lfs*17). This alteration occurs at the 3' terminus of thePMS2 gene, is not expected to trigger nonsense-mediated mRNA decay, and only impacts the last 5.4% of the protein. However, premature stop codons are typically deleterious in nature, a significant portion of the protein is affected, and the impacted region is critical for protein function (Ambry internal data). Based on the supporting evidence, this variant is interpreted as a disease-causing mutation.

Myriad Genetics, Inc.
Classification: Pathogenic for Lynch syndrome 4. Last evaluated: 2023-09-22. Review status: criteria provided, single submitter. Criteria: Myriad Autosomal Dominant, Autosomal Recessive and X-Linked Classification Criteria (2023). Collection method: clinical testing. Allele origin: unknown.
Comment: This variant is considered pathogenic. This variant creates a frameshift predicted to result in premature protein truncation.

Labcorp Genetics (formerly Invitae), Labcorp
Classification: Pathogenic for Hereditary nonpolyposis colorectal neoplasms. Last evaluated: 2022-03-25. Review status: criteria provided, single submitter. Criteria: Invitae Variant Classification Sherloc (09022015). Collection method: clinical testing. Allele origin: germline.
Comment: This variant has not been reported in the literature in individuals affected with PMS2-related conditions. The frequency data for this variant in the population databases (gnomAD) is considered unreliable due to the presence of homologous sequence, such as pseudogenes or paralogs, in the genome. This sequence change creates a premature translational stop signal (p.Pro800Leufs*17) in the PMS2 gene. While this is not anticipated to result in nonsense mediated decay, it is expected to disrupt the last 63 amino acid(s) of the PMS2 protein. Experimental studies and prediction algorithms are not available or were not evaluated, and the functional significance of this variant is currently unknown. For these reasons, this variant has been classified as Pathogenic. This variant disrupts a region of the PMS2 protein in which other variant(s) (p.Trp841Glyfs*10) have been determined to be pathogenic (PMID: 10037723, 16338176, 20533529, 28218421, 30764633; Invitae). This suggests that this is a clinically significant region of the protein, and that variants that disrupt it are likely to be disease-causing.

Literature cited by the submitters: PubMed 10037723 (cited by Labcorp Genetics (formerly Invitae), Labcorp); PubMed 16338176 (cited by Labcorp Genetics (formerly Invitae), Labcorp); PubMed 20533529 (cited by Labcorp Genetics (formerly Invitae), Labcorp); PubMed 28218421 (cited by Labcorp Genetics (formerly Invitae), Labcorp); PubMed 30764633 (cited by Labcorp Genetics (formerly Invitae), Labcorp).